The following is an entry in ClinVar:

NM_016599.5(MYOZ2):c.360A>G (p.Pro120=)

Gene: MYOZ2 (myozenin 2; plus strand). Cytogenetic location: 4q26.
Variant type: single nucleotide variant.
Coding change: c.360A>G on transcript NM_016599.5 (MANE Select); coding-DNA position 360, A replaced by G.
Protein change: p.Pro120=; no amino-acid change (proline 120 retained).
Molecular consequence: synonymous variant.
Genome position (GRCh38, 1-based): chr4:119,158,135, A>G. VCF-style: chr4-119158135-A-G. GRCh37 (hg19) VCF-style: chr4-120079290-A-G.
Other names: p.P120P:CCA>CCG.
Identifiers: ClinVar variation 45782 (VCV000045782.25), dbSNP rs117556704, ClinGen allele CA282611.

ClinVar aggregate classification (germline): Benign. Review status: criteria provided, multiple submitters, no conflicts (2 of 4 stars). 8 submissions from 8 submitters: Benign (6). 2 of the submissions do not count toward it. Last evaluated 2026-01-20.

Conditions:
Hypertrophic cardiomyopathy. Also called: HYPERTROPHIC MYOCARDIOPATHY. Identifiers: Orphanet 217569, MedGen C0007194, MeSH D002312, MONDO:0005045, HP:0001639.
Cardiovascular phenotype. Identifiers: MedGen CN230736.
Cardiomyopathy (CMYO). Also called: Cardiomyopathies. Identifiers: Orphanet 167848, MedGen C0878544, MONDO:0004994, HP:0001638. Inheritance: Various modes of inheritance.

Allele frequency attached by ClinVar (database versions not stated): ESP Exome Variant Server 0.00015; gnomAD 0.00085 and 0.00127; gnomAD exomes 0.00105 and 0.00265; TOPMed 0.00171; ExAC 0.00267; 1000 Genomes Project 30x 0.00593; 1000 Genomes Project 0.00679.
gnomAD v4.1: 1,729 of 1,614,116 alleles (0.11%); highest among the groups gnomAD compares: East Asian, 3.3%; 34 homozygotes.

Submissions (8):

Labcorp Genetics (formerly Invitae), Labcorp
Classification: Benign for Hypertrophic cardiomyopathy. Last evaluated: 2026-01-20. Review status: criteria provided, single submitter. Criteria: Invitae Variant Classification Sherloc (09022015). Collection method: clinical testing. Allele origin: germline.

Ambry Genetics
Classification: Benign for Cardiovascular phenotype. Last evaluated: 2016-11-04. Review status: criteria provided, single submitter. Criteria: Ambry Variant Classification Scheme 2023. Collection method: clinical testing. Allele origin: germline.

CHEO Genetics Diagnostic Laboratory, Children's Hospital of Eastern Ontario
Classification: Benign for Cardiomyopathy. Last evaluated: 2015-11-04. Review status: criteria provided, single submitter. Criteria: ACMG Guidelines, 2015. Collection method: clinical testing. Allele origin: germline. Study: Canadian Open Genetics Repository.

GeneDx
Classification: Benign. Last evaluated: 2014-11-18. Review status: criteria provided, single submitter. Criteria: GeneDx Variant Classification (06012015). Collection method: clinical testing. Allele origin: germline. Affected: yes.
Comment: This variant is considered likely benign or benign based on one or more of the following criteria: it is a conservative change, it occurs at a poorly conserved position in the protein, it is predicted to be benign by multiple in silico algorithms, and/or has population frequency not consistent with disease.

Laboratory for Molecular Medicine, Mass General Brigham Personalized Medicine
Classification: Benign. Last evaluated: 2012-11-20. Review status: criteria provided, single submitter. Criteria: LMM Criteria. Collection method: clinical testing. Allele origin: germline. Observed: 3 variant alleles.
Comment: Pro120Pro in exon 4 of MYOZ2: This variant is not expected to have clinical sign ificance because it has been identified in 4.2% (24/572) of Asian chromosomes fr om a broad population by the 1000 Genomes project (dbSNP rs117556704).

Breakthrough Genomics
Classification: Benign. Review status: criteria provided, single submitter. Criteria: ACMG Guidelines, 2015. Collection method: not provided. Allele origin: germline. Inheritance: Autosomal dominant inheritance. Affected: yes.

Clinical Genetics DNA and cytogenetics Diagnostics Lab, Erasmus MC, Erasmus Medical Center
Classification: Benign. Review status: no assertion criteria provided. Collection method: clinical testing. Allele origin: germline. Affected: yes. Study: VKGL Data-share Consensus. Not counted in ClinVar's aggregate classification.

Clinical Genetics, Academic Medical Center
Classification: Benign. Review status: no assertion criteria provided. Collection method: clinical testing. Allele origin: germline. Affected: yes. Study: VKGL Data-share Consensus. Not counted in ClinVar's aggregate classification.